The following is an entry in ClinVar:

ClinVar aggregate classification (germline): Conflicting classifications of pathogenicity. Review status: criteria provided, conflicting classifications (1 of 4 stars). 3 submissions from 3 submitters: Likely pathogenic (2); Uncertain significance (1). Last evaluated 2021-08-09.

Conditions:
Glycogen storage disease, type II (IOPD). Also called: GLYCOGENOSIS, GENERALIZED, CARDIAC FORM; GSD II; POMPE DISEASE, INFANTILE-ONSET; GLYCOGEN STORAGE DISEASE II, INFANTILE-ONSET; ACID ALPHA-GLUCOSIDASE DEFICIENCY, INFANTILE-ONSET; GAA DEFICIENCY, INFANTILE-ONSET. Identifiers: Orphanet 365, MedGen C0017921, MONDO:0009290, OMIM 232300.

Allele frequency attached by ClinVar (database versions not stated): gnomAD exomes below 0.00001; TOPMed below 0.00001; gnomAD 0.00001.

Submissions (3):

Labcorp Genetics (formerly Invitae), Labcorp
Classification: Likely pathogenic for Glycogen storage disease, type II. Last evaluated: 2021-08-09. Review status: criteria provided, single submitter. Criteria: Invitae Variant Classification Sherloc (09022015). Collection method: clinical testing. Allele origin: germline.
Comment: In summary, the currently available evidence indicates that the variant is pathogenic, but additional data are needed to prove that conclusively. Therefore, this variant has been classified as Likely Pathogenic. This variant disrupts the p.Met318 amino acid residue in GAA. Other variant(s) that disrupt this residue have been determined to be pathogenic (PMID: 1652892, 19862843, 21484825, 29122469, 29181627). This suggests that this residue is clinically significant, and that variants that disrupt this residue are likely to be disease-causing. Advanced modeling of protein sequence and biophysical properties (such as structural, functional, and spatial information, amino acid conservation, physicochemical variation, residue mobility, and thermodynamic stability) performed at Invitae indicates that this missense variant is expected to disrupt GAA protein function. ClinVar contains an entry for this variant (Variation ID: 290616). This variant has not been reported in the literature in individuals affected with GAA-related conditions. This variant is not present in population databases (ExAC no frequency). This sequence change replaces methionine with leucine at codon 318 of the GAA protein (p.Met318Leu). The methionine residue is moderately conserved and there is a small physicochemical difference between methionine and leucine.

Genome-Nilou Lab
Classification: Likely pathogenic for Glycogen storage disease, type II. Last evaluated: 2021-07-22. Review status: criteria provided, single submitter. Criteria: ACMG Guidelines, 2015. Collection method: clinical testing. Allele origin: germline. Affected: no.

Eurofins Ntd Llc (ga)
Classification: Uncertain significance. Last evaluated: 2016-08-29. Review status: criteria provided, single submitter. Criteria: EGL Classification Definitions 2015. Collection method: clinical testing. Allele origin: germline. Observed: 1 variant allele, 1 heterozygote.

Literature cited by the submitters: PubMed 1652892 (cited by Labcorp Genetics (formerly Invitae), Labcorp); PubMed 19862843 (cited by Labcorp Genetics (formerly Invitae), Labcorp); PubMed 21484825 (cited by Labcorp Genetics (formerly Invitae), Labcorp); PubMed 29122469 (cited by Labcorp Genetics (formerly Invitae), Labcorp); PubMed 29181627 (cited by Labcorp Genetics (formerly Invitae), Labcorp).

NM_000152.5(GAA):c.952A>T (p.Met318Leu)

Gene: GAA (alpha glucosidase; plus strand). Cytogenetic location: 17q25.3.
Variant type: single nucleotide variant.
Coding change: c.952A>T on transcript NM_000152.5 (MANE Select); coding-DNA position 952, A replaced by T.
Protein change: p.Met318Leu; replaces methionine 318 with leucine.
Molecular consequence: missense variant.
Genome position (GRCh38, 1-based): chr17:80,107,893, A>T. VCF-style: chr17-80107893-A-T. GRCh37 (hg19) VCF-style: chr17-78081692-A-T.
Other names: c.952A>T, p.Met318Leu (NM_001079803.3, NM_001079804.3); short protein forms M318L.
Identifiers: ClinVar variation 290616 (VCV000290616.16), dbSNP rs886044506, ClinGen allele CA10606846.